The following is an entry in ClinVar:

NM_000090.4(COL3A1):c.181C>G (p.Leu61Val)

Gene: COL3A1 (collagen type III alpha 1 chain; plus strand). Cytogenetic location: 2q32.2.
Variant type: single nucleotide variant.
Coding change: c.181C>G on transcript NM_000090.4 (MANE Select); coding-DNA position 181, C replaced by G.
Protein change: p.Leu61Val; replaces leucine 61 with valine.
Molecular consequence: missense variant.
Genome position (GRCh38, 1-based): chr2:188,984,861, C>G. VCF-style: chr2-188984861-C-G. GRCh37 (hg19) VCF-style: chr2-189849587-C-G.
Other names: short protein forms L61V.
Identifiers: ClinVar variation 3894037 (VCV003894037.2).

ClinVar aggregate classification (germline): Uncertain significance. Review status: criteria provided, multiple submitters, no conflicts (2 of 4 stars). 2 submissions from 2 submitters: Uncertain significance (2). Last evaluated 2025-08-30.

Conditions:
Ehlers-Danlos syndrome, type 4 (EDSVASC). Also called: Ehlers-Danlos syndrome vascular type; Ehlers Danlos syndrome, ecchymotic type; Ehlers Danlos syndrome, arterial type; Ehlers Danlos syndrome, Sack-Barabas type; Ehlers-Danlos Syndrome Type IV. Identifiers: Orphanet 286, MedGen C0268338, MONDO:0017314, OMIM 130050.
Familial thoracic aortic aneurysm and aortic dissection (TAAD). Also called: Thoracic aortic aneurysms and dissections. Identifiers: Orphanet 91387, MedGen C4707243, MONDO:0019625.

Submissions (2):

Labcorp Genetics (formerly Invitae), Labcorp
Classification: Uncertain significance for Ehlers-Danlos syndrome, type 4. Last evaluated: 2025-08-30. Review status: criteria provided, single submitter. Criteria: Invitae Variant Classification Sherloc (09022015). Collection method: clinical testing. Allele origin: germline.
Comment: This sequence change replaces leucine, which is neutral and non-polar, with valine, which is neutral and non-polar, at codon 61 of the COL3A1 protein (p.Leu61Val). This variant is not present in population databases (gnomAD no frequency). This variant has not been reported in the literature in individuals affected with COL3A1-related conditions. ClinVar contains an entry for this variant (Variation ID: 3894037). Invitae Evidence Modeling of protein sequence and biophysical properties (such as structural, functional, and spatial information, amino acid conservation, physicochemical variation, residue mobility, and thermodynamic stability) indicates that this missense variant is not expected to disrupt COL3A1 protein function with a negative predictive value of 95%. In summary, the available evidence is currently insufficient to determine the role of this variant in disease. Therefore, it has been classified as a Variant of Uncertain Significance.

Color Diagnostics, LLC DBA Color Health
Classification: Uncertain significance for Familial thoracic aortic aneurysm and aortic dissection. Last evaluated: 2024-07-17. Review status: criteria provided, single submitter. Criteria: ACMG Guidelines, 2015. Collection method: clinical testing. Allele origin: germline.
Comment: This missense variant replaces leucine with valine at codon 61 of the COL3A1 protein. Computational prediction suggests that this variant may not impact protein structure and function (internally defined REVEL score threshold <= 0.5, PMID: 27666373). To our knowledge, functional studies have not been reported for this variant. This variant has not been reported in individuals affected with COL3A1-related disorders in the literature. This variant has not been identified in the general population by the Genome Aggregation Database (gnomAD). The available evidence is insufficient to determine the role of this variant in disease conclusively. Therefore, this variant is classified as a Variant of Uncertain Significance.